The following is an entry in ClinVar:

NM_032119.4(ADGRV1):c.2116delinsTT (p.Asp706fs)

Gene: ADGRV1 (adhesion G protein-coupled receptor V1; plus strand). Cytogenetic location: 5q14.3.
Variant type: Indel.
Coding change: c.2116delinsTT on transcript NM_032119.4 (MANE Select); coding-DNA position 2116, G replaced by TT.
Protein change: p.Asp706fs; shifts the reading frame from aspartic acid 706.
Molecular consequence: frameshift variant. On other transcripts: non-coding transcript variant (1).
Genome position (GRCh38, 1-based): chr5:90,637,824, G replaced by TT. VCF-style: chr5-90637824-G-TT. GRCh37 (hg19) VCF-style: chr5-89933641-G-TT.
Other names: short protein forms D706fs.
Identifiers: ClinVar variation 969356 (VCV000969356.6), dbSNP rs1766419027, ClinGen allele CA1139658935.
Genomic context (GRCh38, chr5:90,637,824, plus strand): 5'-GCTACTGTCTACTGGAGTTTGAAGCCCTCTGGCTTTAATTCAAAAGCAGTGACCCCGGAT[G>TT]ATATAGGCCCCTTTAATGGCTCTGTTTTGTTTTTATCTGGGCAAAGTGACACAACAATCA-3'

ClinVar aggregate classification (germline): Pathogenic (1 of 4 stars; one submission).

Submission:

Labcorp Genetics (formerly Invitae), Labcorp
Classification: Pathogenic. Last evaluated: 2019-12-20. Review status: criteria provided, single submitter. Criteria: Invitae Variant Classification Sherloc (09022015). Collection method: clinical testing. Allele origin: germline.
Comment: This variant is not present in population databases (ExAC no frequency). For these reasons, this variant has been classified as Pathogenic. Loss-of-function variants in ADGRV1 are known to be pathogenic (PMID: 19357117, 22135276, 22147658). This variant has not been reported in the literature in individuals with ADGRV1-related conditions. This sequence change creates a premature translational stop signal (p.Asp706Leufs*6) in the ADGRV1 gene. It is expected to result in an absent or disrupted protein product.

Literature cited by the submitters: PubMed 19357117; PubMed 22135276; PubMed 22147658.